The following is an entry in ClinVar:

ClinVar aggregate classification (germline): Uncertain significance (1 of 4 stars; one submission).

Conditions:
Inborn genetic diseases. Identifiers: MedGen C0950123, MeSH D030342.

Submission:

Ambry Genetics
Classification: Uncertain significance for Inborn genetic diseases. Last evaluated: 2021-04-26. Review status: criteria provided, single submitter. Criteria: Ambry Variant Classification Scheme 2023. Collection method: clinical testing. Allele origin: germline.
Comment: The c.168_176dupGCTGCACCG (p.L57_R59dup) alteration, located in exon 5 (coding exon 3) of the WDR45 gene, results from an in-frame duplication of 9 nucleotides from position 168 to 176. This results in the insertion of 3 amino acids between codons 59 and 60. Based on data from the Genome Aggregation Database (gnomAD), the WDR45 c.168_176dupGCTGCACCG alteration was not observed, with coverage at this position. The c.168_176dupGCTGCACCG alteration is predicted to be deleterious with a score of -11.073 by PROVEAN in silico analysis. Based on insufficient or conflicting evidence, the clinical significance of this alteration remains unclear.

NM_001029896.2(WDR45):c.168_176dup (p.Arg59_Ser60insLeuHisArg)

Genes: WDR45 (WD repeat domain 45; minus strand), LOC126863256 (BRD4-independent group 4 enhancer GRCh37_chrX:48934848-48936047; plus strand). Cytogenetic location: Xp11.23.
Variant type: Duplication.
Coding change: c.168_176dup on transcript NM_001029896.2 (MANE Select); coding-DNA positions 168 to 176, 9 bases duplicated (GCTGCACCG; older notation c.168_176dupGCTGCACCG).
Protein change: p.Arg59_Ser60insLeuHisArg.
Molecular consequence: inframe insertion.
Genome position (GRCh38, 1-based): chrX:49,077,702-49,077,710, CGGTGCAGC duplicated on the plus strand (GCTGCACCG on the coding strand, the reverse complement: WDR45 is on the minus strand). VCF-style (leftmost placement, unchanged base first): chrX-49077701-G-GCGGTGCAGC. GRCh37 (hg19) VCF-style: chrX-48935360-G-GCGGTGCAGC.
Other names: c.168_176dup, p.Arg59_Ser60insLeuHisArg (NM_007075.4).
Identifiers: ClinVar variation 2376480 (VCV002376480.2), dbSNP rs2520266292, ClinGen allele CA2580101099.
Genomic context (GRCh38, chrX:49,077,701, plus strand): 5'-ACCTGAGATCTCTGAGAACTTGGGACTACTACCACCGCCCACCAAGGCCAGAAGGTTGGA[G>GCGGTGCAGC]CGGTGCAGCATCTCCACCAAGCCCATGCTGCCCACCTGCTCGTGGTCTGGACAGGGACCA-3'